The following is an entry in ClinVar:

ClinVar aggregate classification (germline): Uncertain significance (1 of 4 stars; one submission).

Allele frequency attached by ClinVar (database versions not stated): gnomAD exomes below 0.00001; gnomAD 0.00002; TOPMed 0.00002; ESP Exome Variant Server 0.00008.

Submission:

Labcorp Genetics (formerly Invitae), Labcorp
Classification: Uncertain significance. Last evaluated: 2021-09-15. Review status: criteria provided, single submitter. Criteria: Invitae Variant Classification Sherloc (09022015). Collection method: clinical testing. Allele origin: germline.
Comment: In summary, the available evidence is currently insufficient to determine the role of this variant in disease. Therefore, it has been classified as a Variant of Uncertain Significance. Variants that disrupt the consensus splice site are a relatively common cause of aberrant splicing (PMID: 17576681, 9536098). Algorithms developed to predict the effect of sequence changes on RNA splicing suggest that this variant is not likely to affect RNA splicing. This variant has not been reported in the literature in individuals affected with ECHS1-related conditions. This variant is not present in population databases (ExAC no frequency). This sequence change falls in intron 7 of the ECHS1 gene. It does not directly change the encoded amino acid sequence of the ECHS1 protein. It affects a nucleotide within the consensus splice site of the intron.

Literature cited by the submitters: PubMed 17576681; PubMed 9536098.

NM_004092.4(ECHS1):c.807+3G>A

Gene: ECHS1 (enoyl-CoA hydratase, short chain 1; minus strand). Cytogenetic location: 10q26.3.
Variant type: single nucleotide variant.
Coding change: c.807+3G>A on transcript NM_004092.4 (MANE Select); 3 bases into the intron after coding-DNA position 807, G replaced by A.
Molecular consequence: intron variant.
Genome position (GRCh38, 1-based): chr10:133,364,655, C>T on the plus strand (G>A on the coding strand, the complement: ECHS1 is on the minus strand). VCF-style: chr10-133364655-C-T. GRCh37 (hg19) VCF-style: chr10-135178159-C-T.
Identifiers: ClinVar variation 1412750 (VCV001412750.4), dbSNP rs372910496, ClinGen allele CA216814438.